The following is an entry in ClinVar:

ClinVar aggregate classification (germline): Uncertain significance (1 of 4 stars; one submission).

Allele frequency attached by ClinVar (database versions not stated): ExAC 0.00002; gnomAD 0.00003; gnomAD exomes 0.00003; TOPMed 0.00003; ESP Exome Variant Server 0.00015.
gnomAD v4.1: 41 of 1,614,046 alleles (0.0025%); highest among the groups gnomAD compares: Admixed American, 0.0033%; no homozygotes.

Submission:

Labcorp Genetics (formerly Invitae), Labcorp
Classification: Uncertain significance. Last evaluated: 2022-11-01. Review status: criteria provided, single submitter. Criteria: Invitae Variant Classification Sherloc (09022015). Collection method: clinical testing. Allele origin: germline.
Comment: In summary, the available evidence is currently insufficient to determine the role of this variant in disease. Therefore, it has been classified as a Variant of Uncertain Significance. Algorithms developed to predict the effect of missense changes on protein structure and function output the following: SIFT: "Tolerated"; PolyPhen-2: "Benign"; Align-GVGD: "Class C0". The histidine amino acid residue is found in multiple mammalian species, which suggests that this missense change does not adversely affect protein function. This variant has not been reported in the literature in individuals affected with POP1-related conditions. This variant is present in population databases (rs144135573, gnomAD 0.006%). This sequence change replaces arginine, which is basic and polar, with histidine, which is basic and polar, at codon 288 of the POP1 protein (p.Arg288His).

NM_001145860.2(POP1):c.863G>A (p.Arg288His)

Gene: POP1 (POP1 ribonuclease P/MRP subunit; plus strand). Cytogenetic location: 8q22.2.
Variant type: single nucleotide variant.
Coding change: c.863G>A on transcript NM_001145860.2 (MANE Select); coding-DNA position 863, G replaced by A.
Protein change: p.Arg288His; replaces arginine 288 with histidine.
Molecular consequence: missense variant.
Genome position (GRCh38, 1-based): chr8:98,134,511, G>A. VCF-style: chr8-98134511-G-A. GRCh37 (hg19) VCF-style: chr8-99146739-G-A.
Other names: c.863G>A, p.Arg288His (NM_001145861.2, NM_015029.3); short protein forms R288H.
Identifiers: ClinVar variation 2190432 (VCV002190432.4), dbSNP rs144135573, ClinGen allele CA4820440.
Genomic context (GRCh38, chr8:98,134,511, plus strand): 5'-TTTTGCTTTTGTTGATGTCAGGGCTGACGTTTGCAGCAGTTCACTGCTTGTCTGGAAAGC[G>A]CCAAGGGAGCCTTGTGCTTTATCGGGTGAATAAATATCCCAGAGAAATGCTTGGGCCTGT-3'
Protein context (NP_001139332.1, residues 278-298): FAAVHCLSGK[Arg288His]QGSLVLYRVN